The following is an entry in ClinVar:

ClinVar aggregate classification (germline): Uncertain significance (1 of 4 stars; one submission).

Conditions:
Nephronophthisis 16 (NPHP16). Identifiers: Orphanet 655, MedGen C3809320, MONDO:0014158, OMIM 615382.

gnomAD v4.1: 21 of 1,614,134 alleles (0.0013%); highest among the groups gnomAD compares: East Asian, 0.0022%; no homozygotes.

Submission:

Labcorp Genetics (formerly Invitae), Labcorp
Classification: Uncertain significance for Nephronophthisis 16. Last evaluated: 2025-09-23. Review status: criteria provided, single submitter. Criteria: Invitae Variant Classification Sherloc (09022015). Collection method: clinical testing. Allele origin: germline.
Comment: This sequence change replaces arginine, which is basic and polar, with cysteine, which is neutral and slightly polar, at codon 477 of the ANKS6 protein (p.Arg477Cys). This variant is present in population databases (rs770883667, gnomAD 0.007%). This variant has not been reported in the literature in individuals affected with ANKS6-related conditions. ClinVar contains an entry for this variant (Variation ID: 2078989). An algorithm developed to predict the effect of missense changes on protein structure and function (PolyPhen-2) suggests that this variant is likely to be disruptive. In summary, the available evidence is currently insufficient to determine the role of this variant in disease. Therefore, it has been classified as a Variant of Uncertain Significance.

NM_173551.5(ANKS6):c.1429C>T (p.Arg477Cys)

Gene: ANKS6 (ankyrin repeat and sterile alpha motif domain containing 6; minus strand). Cytogenetic location: 9q22.33.
Variant type: single nucleotide variant.
Coding change: c.1429C>T on transcript NM_173551.5 (MANE Select); coding-DNA position 1429, C replaced by T.
Protein change: p.Arg477Cys; replaces arginine 477 with cysteine.
Molecular consequence: missense variant.
Genome position (GRCh38, 1-based): chr9:98,778,364, G>A on the plus strand (C>T on the coding strand, the complement: ANKS6 is on the minus strand). VCF-style: chr9-98778364-G-A. GRCh37 (hg19) VCF-style: chr9-101540646-G-A.
Other names: short protein forms R477C.
Identifiers: ClinVar variation 2078989 (VCV002078989.4), dbSNP rs770883667, ClinGen allele CA5153498.